The following is an entry in ClinVar:

ClinVar aggregate classification (germline): Uncertain significance. Review status: criteria provided, multiple submitters, no conflicts (2 of 4 stars). 2 submissions from 2 submitters: Uncertain significance (2). Last evaluated 2025-04-08.

Conditions:
Neurofibromatosis, type 1 (NF1). Also called: VON RECKLINGHAUSEN DISEASE; NEUROFIBROMATOSIS, TYPE I, SOMATIC; Peripheral type neurofibromatosis; Neurofibromatosis, type I. Identifiers: Orphanet 636, MedGen C0027831, MONDO:0018975, OMIM 162200. Disease mechanism: loss of function.

gnomAD v4.1: 1 of 1,613,938 alleles (0.000062%); highest among the groups gnomAD compares: Non-Finnish European, 0.000085%; no homozygotes.

Submissions (2):

Labcorp Genetics (formerly Invitae), Labcorp
Classification: Uncertain significance for Neurofibromatosis, type 1. Last evaluated: 2025-04-08. Review status: criteria provided, single submitter. Criteria: Invitae Variant Classification Sherloc (09022015). Collection method: clinical testing. Allele origin: germline.
Comment: This sequence change replaces glutamine, which is neutral and polar, with histidine, which is basic and polar, at codon 531 of the NF1 protein (p.Gln531His). This variant is not present in population databases (gnomAD no frequency). This variant has not been reported in the literature in individuals affected with NF1-related conditions. ClinVar contains an entry for this variant (Variation ID: 237520). Invitae Evidence Modeling of protein sequence and biophysical properties (such as structural, functional, and spatial information, amino acid conservation, physicochemical variation, residue mobility, and thermodynamic stability) indicates that this missense variant is not expected to disrupt NF1 protein function with a negative predictive value of 95%. In summary, the available evidence is currently insufficient to determine the role of this variant in disease. Therefore, it has been classified as a Variant of Uncertain Significance.

GeneDx
Classification: Uncertain significance. Last evaluated: 2024-02-21. Review status: criteria provided, single submitter. Criteria: GeneDx Variant Classification Process June 2021. Collection method: clinical testing. Allele origin: germline. Affected: yes.
Comment: Not observed at significant frequency in large population cohorts (gnomAD); In silico analysis supports that this missense variant does not alter protein structure/function; Has not been previously published as pathogenic or benign to our knowledge

NM_001042492.3(NF1):c.1593A>C (p.Gln531His)

Gene: NF1 (neurofibromin 1; plus strand). Cytogenetic location: 17q11.2.
Variant type: single nucleotide variant.
Coding change: c.1593A>C on transcript NM_001042492.3 (MANE Select); coding-DNA position 1593, A replaced by C.
Protein change: p.Gln531His; replaces glutamine 531 with histidine.
Molecular consequence: missense variant.
Genome position (GRCh38, 1-based): chr17:31,219,070, A>C. VCF-style: chr17-31219070-A-C. GRCh37 (hg19) VCF-style: chr17-29546088-A-C.
Other names: c.1593A>C, p.Gln531His (NM_000267.4, NM_001128147.3); short protein forms Q531H.
Identifiers: ClinVar variation 237520 (VCV000237520.6), dbSNP rs773712266, ClinGen allele CA10583474.